The following is an entry in ClinVar:

NM_003776.4(MRPL40):c.529C>T (p.His177Tyr)

Gene: MRPL40 (mitochondrial ribosomal protein L40; plus strand). Cytogenetic location: 22q11.21.
Variant type: single nucleotide variant.
Coding change: c.529C>T on transcript NM_003776.4 (MANE Select); coding-DNA position 529, C replaced by T.
Protein change: p.His177Tyr; replaces histidine 177 with tyrosine.
Molecular consequence: missense variant.
Genome position (GRCh38, 1-based): chr22:19,435,870, C>T. VCF-style: chr22-19435870-C-T. GRCh37 (hg19) VCF-style: chr22-19423393-C-T.
Other names: c.397C>T, p.His133Tyr (NM_001318151.2); short protein forms H133Y, H177Y.
Identifiers: ClinVar variation 2959950 (VCV002959950.3), dbSNP rs370374007, ClinGen allele CA10100243.

ClinVar aggregate classification (germline): Uncertain significance (1 of 4 stars; one submission).

Allele frequency attached by ClinVar (database versions not stated): gnomAD exomes below 0.00001; ExAC 0.00005; TOPMed 0.00006; gnomAD 0.00007; ESP Exome Variant Server 0.00008; 1000 Genomes Project 30x 0.00016; 1000 Genomes Project 0.00020.
gnomAD v4.1: 15 of 1,614,136 alleles (0.00093%); highest among the groups gnomAD compares: African/African-American, 0.015%; no homozygotes.

Submission:

Labcorp Genetics (formerly Invitae), Labcorp
Classification: Uncertain significance. Last evaluated: 2024-01-02. Review status: criteria provided, single submitter. Criteria: Invitae Variant Classification Sherloc (09022015). Collection method: clinical testing. Allele origin: germline.
Comment: This sequence change replaces histidine, which is basic and polar, with tyrosine, which is neutral and polar, at codon 177 of the MRPL40 protein (p.His177Tyr). This variant is present in population databases (rs370374007, gnomAD 0.03%). This variant has not been reported in the literature in individuals affected with MRPL40-related conditions. Algorithms developed to predict the effect of missense changes on protein structure and function output the following: SIFT: "Not Available"; PolyPhen-2: "Benign"; Align-GVGD: "Not Available". The tyrosine amino acid residue is found in multiple mammalian species, which suggests that this missense change does not adversely affect protein function. In summary, the available evidence is currently insufficient to determine the role of this variant in disease. Therefore, it has been classified as a Variant of Uncertain Significance.